The following is an entry in ClinVar:

ClinVar aggregate classification (germline): Likely benign (1 of 4 stars; one submission).

Conditions:
Sessile serrated polyposis cancer syndrome (SSPCS). Identifiers: Orphanet 157798, MedGen C4310714, MONDO:0014919, OMIM 617108.

gnomAD v4.1: 1 of 1,607,948 alleles (0.000062%); highest among the groups gnomAD compares: Non-Finnish European, 0.000085%; no homozygotes.

Submission:

Myriad Genetics, Inc.
Classification: Likely benign for Sessile serrated polyposis cancer syndrome. Last evaluated: 2026-06-26. Review status: criteria provided, single submitter. Criteria: Myriad Autosomal Dominant, Autosomal Recessive and X-Linked Classification Criteria (2023). Collection method: clinical testing. Allele origin: unknown.
Comment: This variant is considered likely benign. This variant is intronic and is not expected to impact mRNA splicing.

NM_017763.6(RNF43):c.952+9T>C

Gene: RNF43 (ring finger protein 43; minus strand). Cytogenetic location: 17q22.
Variant type: single nucleotide variant.
Coding change: c.952+9T>C on transcript NM_017763.6 (MANE Select); 9 bases into the intron after coding-DNA position 952, T replaced by C.
Molecular consequence: intron variant.
Genome position (GRCh38, 1-based): chr17:58,360,140, A>G on the plus strand (T>C on the coding strand, the complement: RNF43 is on the minus strand). VCF-style: chr17-58360140-A-G. GRCh37 (hg19) VCF-style: chr17-56437501-A-G.
Other names: c.952+9T>C (NM_001438822.1, NM_001305544.3, NM_001438820.1 and 1 more transcripts); c.571+9T>C (NM_001305545.2, NM_001437987.1).
Identifiers: ClinVar variation 4875693 (VCV004875693.1).
Genomic context (GRCh38, chr17:58,360,140, plus strand): 5'-TTCCCAAAGGGAAGCCACATTCTAGACCTGTCTGCCTACACAGAGGGGAGTCCTTGGCCC[A>G]CCTCCTACCTGTGATGTTGAACATGCAGAGGGGGCAAGTCCGATGCTGATGTAACCAGGG-3'